The following is an entry in ClinVar:

NM_004958.4(MTOR):c.706-10C>G

Gene: MTOR (mechanistic target of rapamycin kinase; minus strand). Cytogenetic location: 1p36.22.
Variant type: single nucleotide variant.
Coding change: c.706-10C>G on transcript NM_004958.4 (MANE Select); 10 bases into the intron before coding-DNA position 706, C replaced by G.
Molecular consequence: intron variant.
Genome position (GRCh38, 1-based): chr1:11,253,983, G>C on the plus strand (C>G on the coding strand, the complement: MTOR is on the minus strand). VCF-style: chr1-11253983-G-C. GRCh37 (hg19) VCF-style: chr1-11314040-G-C.
Other names: c.-434-10C>G (NM_001386501.1); c.706-10C>G (NM_001386500.1, NM_004958.3).
Identifiers: ClinVar variation 1086369 (VCV001086369.10), dbSNP rs745536345, ClinGen allele CA590883.

ClinVar aggregate classification (germline): Likely benign. Review status: criteria provided, multiple submitters, no conflicts (2 of 4 stars). 2 submissions from 2 submitters: Likely benign (2). Last evaluated 2025-10-17.

Conditions:
MTOR-related disorder. Also called: MTOR-related condition.

Allele frequency attached by ClinVar (database versions not stated): TOPMed 0.00003; gnomAD 0.00004 and 0.00005; gnomAD exomes 0.00005; ExAC 0.00006.
gnomAD v4.1: 77 of 1,614,144 alleles (0.0048%); highest among the groups gnomAD compares: Non-Finnish European, 0.0058%; 1 homozygote.

Submissions (2):

Labcorp Genetics (formerly Invitae), Labcorp
Classification: Likely benign. Last evaluated: 2025-10-17. Review status: criteria provided, single submitter. Criteria: Invitae Variant Classification Sherloc (09022015). Collection method: clinical testing. Allele origin: germline.

PreventionGenetics, part of Exact Sciences
Classification: Likely benign for MTOR-related condition. Last evaluated: 2025-01-12. Review status: criteria provided, single submitter. Criteria: ACMG Guidelines, 2015. Collection method: clinical testing. Allele origin: germline.
Comment: This variant is classified as likely benign based on ACMG/AMP sequence variant interpretation guidelines (Richards et al. 2015 PMID: 25741868, with internal and published modifications).